The following is an entry in ClinVar:

ClinVar aggregate classification (germline): Uncertain significance (1 of 4 stars; one submission).

Allele frequency attached by ClinVar (database versions not stated): gnomAD exomes below 0.00001; ExAC 0.00001; gnomAD 0.00001; TOPMed 0.00002; 1000 Genomes Project 30x 0.00016; 1000 Genomes Project 0.00020.
gnomAD v4.1: 7 of 1,613,356 alleles (0.00043%); highest among the groups gnomAD compares: Admixed American, 0.0033%; no homozygotes.

Submission:

Labcorp Genetics (formerly Invitae), Labcorp
Classification: Uncertain significance. Last evaluated: 2022-02-17. Review status: criteria provided, single submitter. Criteria: Invitae Variant Classification Sherloc (09022015). Collection method: clinical testing. Allele origin: germline.
Comment: This variant has not been reported in the literature in individuals affected with SUCO-related conditions. In summary, the available evidence is currently insufficient to determine the role of this variant in disease. Therefore, it has been classified as a Variant of Uncertain Significance. Algorithms developed to predict the effect of sequence changes on RNA splicing suggest that this variant is not likely to affect RNA splicing. Algorithms developed to predict the effect of missense changes on protein structure and function are either unavailable or do not agree on the potential impact of this missense change (SIFT: "Tolerated"; PolyPhen-2: "Probably Damaging"; Align-GVGD: "Class C0"). This variant is present in population databases (rs556035950, gnomAD 0.003%). This sequence change replaces proline, which is neutral and non-polar, with leucine, which is neutral and non-polar, at codon 1228 of the SUCO protein (p.Pro1228Leu).

NM_014283.5(SUCO):c.3683C>T (p.Pro1228Leu)

Gene: SUCO (SUN domain containing ossification factor; plus strand). Cytogenetic location: 1q24.3.
Variant type: single nucleotide variant.
Coding change: c.3683C>T on transcript NM_014283.5 (MANE Select); coding-DNA position 3683, C replaced by T.
Protein change: p.Pro1228Leu; replaces proline 1228 with leucine.
Molecular consequence: missense variant.
Genome position (GRCh38, 1-based): chr1:172,610,177, C>T. VCF-style: chr1-172610177-C-T. GRCh37 (hg19) VCF-style: chr1-172579317-C-T.
Other names: c.2570C>T, p.Pro857Leu (NM_001282750.2); c.1994C>T, p.Pro665Leu (NM_001282751.2); c.4136C>T, p.Pro1379Leu (NM_016227.4); short protein forms P857L, P1228L, P1379L, P665L.
Identifiers: ClinVar variation 2154364 (VCV002154364.4), dbSNP rs556035950, ClinGen allele CA1247390.